The following is an entry in ClinVar:

NM_007294.4(BRCA1):c.1264dup (p.Tyr422fs)

Gene: BRCA1 (BRCA1 DNA repair associated; minus strand). Cytogenetic location: 17q21.31.
Variant type: Duplication.
Coding change: c.1264dup on transcript NM_007294.4 (MANE Select); coding-DNA position 1264, one base duplicated (T; older notation c.1264dupT).
Protein change: p.Tyr422fs; shifts the reading frame from tyrosine 422.
Molecular consequence: frameshift variant. On other transcripts: intron variant (137).
Genome position (GRCh38, 1-based): chr17:43,094,267, A duplicated on the plus strand (T on the coding strand, the reverse complement: BRCA1 is on the minus strand). VCF-style (leftmost placement, unchanged base first): chr17-43094266-T-TA. GRCh37 (hg19) VCF-style: chr17-41246283-T-TA.
Other names: c.1264dupT (NM_007294.3); c.1261dup, p.Tyr421fs (NM_001407644.1, NM_001407645.1, NM_001407860.1 and 22 more transcripts); c.1255dup, p.Tyr419fs (NM_001407646.1, NM_001407647.1); c.1141dup, p.Tyr381fs (NM_001407648.1, NM_001407664.1, NM_001407665.1 and 19 more transcripts); c.1138dup, p.Tyr380fs (NM_001407649.1, NM_001407670.1, NM_001407671.1 and 11 more transcripts); c.1264dup, p.Tyr422fs (NM_001407652.1, NM_001407684.1, NM_001407854.1 and 30 more transcripts); c.1186dup, p.Tyr396fs (NM_001407653.1, NM_001407654.1, NM_001407655.1 and 4 more transcripts); c.1183dup, p.Tyr395fs (NM_001407659.1, NM_001407660.1, NM_001407661.1 and 1 more transcripts); and 41 more; short protein forms Y375fs, Y422fs, Y126fs, Y355fs, Y381fs, Y395fs, Y334fs, Y380fs.
Identifiers: ClinVar variation 1763854 (VCV001763854.3), dbSNP rs2552218440, ClinGen allele CA2580093898.

ClinVar aggregate classification (germline): Pathogenic. Review status: criteria provided, multiple submitters, no conflicts (2 of 4 stars). 2 submissions from 2 submitters: Pathogenic (2). Last evaluated 2024-12-10.

Conditions:
Hereditary cancer-predisposing syndrome. Also called: Neoplastic Syndromes, Hereditary; Tumor predisposition; Hereditary neoplastic syndrome; Hereditary Cancer Syndrome. Identifiers: Orphanet 140162, MedGen C0027672, MeSH D009386, MONDO:0015356.
Breast-ovarian cancer, familial, susceptibility to, 1 (BROVCA1). Also called: OVARIAN CANCER, SUSCEPTIBILITY TO; BRCA1 Hereditary Breast and Ovarian Cancer. Identifiers: Orphanet 145, MedGen C2676676, MONDO:0011450, OMIM 604370. Disease mechanism: loss of function.

Submissions (2):

Myriad Genetics, Inc.
Classification: Pathogenic for Breast-ovarian cancer, familial, susceptibility to, 1. Last evaluated: 2024-12-10. Review status: criteria provided, single submitter. Criteria: Myriad Autosomal Dominant, Autosomal Recessive and X-Linked Classification Criteria (2023). Collection method: clinical testing. Allele origin: unknown.
Comment: This variant is considered pathogenic. This variant creates a frameshift predicted to result in premature protein truncation.

Ambry Genetics
Classification: Pathogenic for Hereditary cancer-predisposing syndrome. Last evaluated: 2017-10-06. Review status: criteria provided, single submitter. Criteria: Ambry Variant Classification Scheme 2023. Collection method: clinical testing. Allele origin: germline.
Comment: The c.1264dupT pathogenic mutation, located in coding exon 9 of the BRCA1 gene, results from a duplication of T at nucleotide position 1264, causing a translational frameshift with a predicted alternate stop codon (p.Y422Lfs*14). This alteration is expected to result in loss of function by premature protein truncation or nonsense-mediated mRNA decay. As such, this alteration is interpreted as a disease-causing mutation.